The following is an entry in ClinVar:

ClinVar aggregate classification (germline): Uncertain significance. Review status: criteria provided, multiple submitters, no conflicts (2 of 4 stars). 4 submissions from 4 submitters: Uncertain significance (4). Last evaluated 2025-03-26.

Conditions:
Arrhythmogenic right ventricular cardiomyopathy (ARVD). Also called: Arrhythmogenic cardiomyopathy; Arrhythmogenic Right Ventricular Cardiomyopathy (ARVC); Cardiomyopathy, ARVC; Arrhythmogenic right ventricular dysplasia. Identifiers: Orphanet 247, MedGen C0349788, MeSH D019571, MONDO:0016587. Disease mechanism: loss of function. Inheritance: Various modes of inheritance.
Arrhythmogenic right ventricular dysplasia 9 (ARVD9). Also called: Arrhythmogenic Right Ventricular Dysplasia/Cardiomyopathy 9; ARRHYTHMOGENIC RIGHT VENTRICULAR DYSPLASIA, FAMILIAL, 9. Identifiers: MedGen C1836906, MONDO:0012180, OMIM 609040.

Submissions (4):

Labcorp Genetics (formerly Invitae), Labcorp
Classification: Uncertain significance for Arrhythmogenic right ventricular dysplasia 9. Last evaluated: 2025-03-26. Review status: criteria provided, single submitter. Criteria: Invitae Variant Classification Sherloc (09022015). Collection method: clinical testing. Allele origin: germline.
Comment: This sequence change replaces leucine, which is neutral and non-polar, with arginine, which is basic and polar, at codon 687 of the PKP2 protein (p.Leu687Arg). This variant is not present in population databases (gnomAD no frequency). This missense change has been observed in individual(s) with clinical features of PKP2-related conditions (PMID: 32268277). ClinVar contains an entry for this variant (Variation ID: 202001). An algorithm developed to predict the effect of missense changes on protein structure and function (PolyPhen-2) suggests that this variant is likely to be disruptive. In summary, the available evidence is currently insufficient to determine the role of this variant in disease. Therefore, it has been classified as a Variant of Uncertain Significance.

All of Us Research Program, National Institutes of Health
Classification: Uncertain significance for Arrhythmogenic right ventricular cardiomyopathy. Last evaluated: 2023-09-17. Review status: criteria provided, single submitter. Criteria: ACMG Guidelines, 2015. Collection method: clinical testing. Allele origin: germline. Inheritance: Autosomal dominant inheritance. Observed: 2 variant alleles, 2 heterozygotes.
Comment: This missense variant replaces leucine with arginine at codon 687 of the PKP2 protein. Computational prediction suggests that this variant may have deleterious impact on protein structure and function (internally defined REVEL score threshold >= 0.7, PMID: 27666373). To our knowledge, functional studies have not been reported for this variant. This variant has been reported in one individual affected with arrhythmogenic cardiomyopathy (PMID: 32268277). This variant has not been identified in the general population by the Genome Aggregation Database (gnomAD). The available evidence is insufficient to determine the role of this variant in disease conclusively. Therefore, this variant is classified as a Variant of Uncertain Significance.

This study involves interpretation of variants in research participants for the purpose of population health screening. Participant phenotype was not available at the time of variant classification. Additional details can be found in publication PMID: 35346344, PMCID: PMC8962531

Women's Health and Genetics/Laboratory Corporation of America, LabCorp
Classification: Uncertain significance. Last evaluated: 2023-05-08. Review status: criteria provided, single submitter. Criteria: LabCorp Variant Classification Summary - May 2015. Collection method: clinical testing. Allele origin: germline.

GeneDx
Classification: Uncertain significance. Last evaluated: 2015-04-15. Review status: criteria provided, single submitter. Criteria: GeneDx Variant Classification (06012015). Collection method: clinical testing. Allele origin: germline. Affected: yes.
Comment: p.Leu687Arg (CTG>CGG): c.2060 T>G in exon 10 of the PKP2 gene (NM_004572.3). The Leu687Arg variant in the PKP2 gene has not been reported as a disease-causing mutation or as a benign polymorphism, to our knowledge. Leu687Arg is a non-conservative amino acid substitution of a non-polar Leucine with a positively charged Arginine at a position that is conserved across species. A mutation in a nearby codon (Ser688Pro) has been reported in association with ARVC, further supporting the functional importance of this region of the protein. Additionally, in silico analysis predicts Leu687Arg is probably damaging to protein structure or function. The NHLBI ESP Exome Variant Server reports Leu687Arg was not observed in approximately 5,000 samples from individuals of European and African American backgrounds, indicating it is not a common variant in these populations. However, control data from individuals of other ethnic backgrounds were not available to assess for a population-specific benign polymorphism. In summary, with the clinical and molecular information available at this time, we cannot determine whether the Leu687Arg variant in the PKP2 gene is a disease-causing mutation or a benign variant. The variant is found in ARVC panel(s).

Literature cited by the submitters: PubMed 32268277 (cited by Labcorp Genetics (formerly Invitae), Labcorp and All of Us Research Program, National Institutes of Health).

NM_001005242.3(PKP2):c.1928T>G (p.Leu643Arg)

Gene: PKP2 (plakophilin 2; minus strand). Cytogenetic location: 12p11.21.
Variant type: single nucleotide variant.
Coding change: c.1928T>G on transcript NM_001005242.3 (MANE Select); coding-DNA position 1928, T replaced by G.
Protein change: p.Leu643Arg; replaces leucine 643 with arginine.
Molecular consequence: missense variant.
Genome position (GRCh38, 1-based): chr12:32,821,441, A>C on the plus strand (T>G on the coding strand, the complement: PKP2 is on the minus strand). VCF-style: chr12-32821441-A-C. GRCh37 (hg19) VCF-style: chr12-32974375-A-C.
Other names: p.L687R:CTG>CGG; c.2060T>G, p.Leu687Arg (NM_004572.4); short protein forms L687R, L643R.
Identifiers: ClinVar variation 202001 (VCV000202001.6), dbSNP rs794729113, ClinGen allele CA011661.